The following is an entry in ClinVar:

ClinVar aggregate classification (germline): Pathogenic. Review status: criteria provided, multiple submitters, no conflicts (2 of 4 stars). 3 submissions from 3 submitters: Pathogenic (3). Last evaluated 2023-10-09.

Conditions:
Osteogenesis imperfecta type I (OI1). Also called: OI, TYPE I; OSTEOGENESIS IMPERFECTA TARDA; OSTEOGENESIS IMPERFECTA WITH BLUE SCLERAE; Lobstein's Disease; Classic Non-deforming Osteogenesis Imperfecta with Blue Sclerae; Lobstein disease. Identifiers: Orphanet 216796, Orphanet 666, MedGen C0023931, MONDO:0008146, OMIM 166200. Disease mechanism: loss of function.
Infantile cortical hyperostosis. Also called: P1PK BLOOD GROUP SYSTEM, P(2) PHENOTYPE; Hyperostosis, Cortical, Congenital; Caffey Disease. Identifiers: Orphanet 1310, MedGen C0020497, MONDO:0007244, OMIM 114000.
Ehlers-Danlos syndrome, arthrochalasia type. Also called: ARTHROCHALASIS MULTIPLEX CONGENITA; EDS VII, MUTANT PROCOLLAGEN TYPE; EDS VIIA; Ehlers-Danlos syndrome, arthrochalasia type, 1; Ehlers-Danlos syndrome, arthrochalasis type. Identifiers: Orphanet 1899, Orphanet 99875, Orphanet 99876, MedGen C4551623, MONDO:0007525, OMIM 130060.
Combined osteogenesis imperfecta and Ehlers-Danlos syndrome 1. Also called: OIEDS SYNDROME 1. Identifiers: MedGen C5436842, MONDO:0030854, OMIM 619115.
Osteogenesis imperfecta with normal sclerae, dominant form (OI4). Also called: OSTEOGENESIS IMPERFECTA, TYPE IV, WITH DENTINOGENESIS IMPERFECTA; OSTEOGENESIS IMPERFECTA WITH NORMAL SCLERAE; Common Variable Osteogenesis Imperfecta with Normal Sclerae; Osteogenesis imperfecta type 4; Osteogenesis Imperfecta Type IV. Identifiers: Orphanet 216820, Orphanet 666, MedGen C0268363, MONDO:0008148, OMIM 166220.
Osteogenesis imperfecta, perinatal lethal (OI2). Also called: Osteogenesis imperfecta type 2; OSTEOGENESIS IMPERFECTA, TYPE II; OI, TYPE II; OSTEOGENESIS IMPERFECTA CONGENITA; VROLIK TYPE OF OSTEOGENESIS IMPERFECTA; Osteogenesis imperfecta, dominant perinatal lethal. Identifiers: Orphanet 216804, MedGen C0268358, MONDO:0008147, OMIM 166210.
Osteogenesis imperfecta type III (OI3). Also called: Progressively Deforming Osteogenesis Imperfecta; Osteogenesis imperfecta type 3; OI type 3; Osteogenesis imperfecta, progressively deforming with normal sclerae; OI type III. Identifiers: Orphanet 216812, Orphanet 666, MedGen C0268362, MONDO:0009804, OMIM 259420.
Osteoporosis. Identifiers: MedGen C0029456, MONDO:0005298, OMIM 166710, HP:0000939.

Submissions (3):

Labcorp Genetics (formerly Invitae), Labcorp
Classification: Pathogenic for Osteogenesis imperfecta type I. Last evaluated: 2023-10-09. Review status: criteria provided, single submitter. Criteria: Invitae Variant Classification Sherloc (09022015). Collection method: clinical testing. Allele origin: germline.
Comment: This sequence change creates a premature translational stop signal (p.Gly1181Alafs*58) in the COL1A1 gene. It is expected to result in an absent or disrupted protein product. Loss-of-function variants in COL1A1 are known to be pathogenic (PMID: 7942841, 9295084, 9443882). This variant is not present in population databases (gnomAD no frequency). This premature translational stop signal has been observed in individual(s) with osteogenesis imperfecta (PMID: 22206639). ClinVar contains an entry for this variant (Variation ID: 1805989). For these reasons, this variant has been classified as Pathogenic.

Victorian Clinical Genetics Services, Murdoch Childrens Research Institute
Classification: Pathogenic for Osteogenesis imperfecta type I. Last evaluated: 2022-09-02. Review status: criteria provided, single submitter. Criteria: ACMG Guidelines, 2015. Collection method: clinical testing. Allele origin: germline. Inheritance: Autosomal dominant inheritance. Affected: yes.
Comment: Based on the classification scheme VCGS_Germline_v1.3.4, this variant is classified as Pathogenic. Following criteria are met: 0103 - Dominant negative and loss of function are known mechanisms of disease in this gene and are associated with Osteogenesis imperfecta (OI) types I-IV, and other conditions (OMIM). Variants resulting in a truncated protein are known to have a loss of function effect on protein, while missense variants affecting the G-X-Y of a triple helix motif have a dominant negative effect (PMID:27509835, PMID:12362985). (I) 0107 - This gene is associated with autosomal dominant disease. (I) 0115 - Variants in this gene are known to have variable expressivity (GeneReviews). (I) 0201 - Variant is predicted to cause nonsense-mediated decay (NMD) and loss of protein (premature termination codon is located at least 54 nucleotides upstream of the final exon-exon junction). (SP) 0251 - This variant is heterozygous. (I) 0301 - Variant is absent from gnomAD (both v2 and v3). (SP) 0701 - Other NMD-predicted variants comparable to the one identified in this case have very strong previous evidence for pathogenicity. These variants have been reported many times as pathogenic (DECIPHER) and observed in individuals with OI type I (PMID: 32667677). (SP) 0803 - This variant has limited previous evidence of pathogenicity in unrelated individuals. This variant has been reported as pathogenic (LOVD), and observed in at least two unrelated individuals with OI type I (PMID: 32667677, PMID: 22206639). (SP) 1208 - Inheritance information for this variant is not currently available in this individual. (I) Legend: (SP) - Supporting pathogenic, (I) - Information, (SB) - Supporting benign

Juno Genomics, Hangzhou Juno Genomics, Inc
Classification: Pathogenic for Osteoporosis; Infantile cortical hyperostosis; Combined osteogenesis imperfecta and Ehlers-Danlos syndrome 1; Ehlers-Danlos syndrome, arthrochalasia type; Osteogenesis imperfecta type I; Osteogenesis imperfecta, perinatal lethal; Osteogenesis imperfecta type III; Osteogenesis imperfecta with normal sclerae, dominant form. Review status: criteria provided, single submitter. Criteria: ACMG Guidelines, 2015. Collection method: clinical testing. Allele origin: germline. Affected: yes.
Comment: Absent from controls (or at extremely low frequency if recessive) in Genome Aggregation Database, Exome Sequencing Project, 1000 Genomes Project, or Exome Aggregation Consortium.;Null variant in a gene where loss of function (LOF) is a known mechanism of disease.;The prevalence of the variant in affected individuals is significantly increased compared to the prevalence in controls.

Literature cited by the submitters: PubMed 7942841 (cited by Labcorp Genetics (formerly Invitae), Labcorp); PubMed 9295084 (cited by Labcorp Genetics (formerly Invitae), Labcorp); PubMed 9443882 (cited by Labcorp Genetics (formerly Invitae), Labcorp); PubMed 22206639 (cited by Labcorp Genetics (formerly Invitae), Labcorp and Victorian Clinical Genetics Services, Murdoch Childrens Research Institute); PubMed 12362985 (cited by Victorian Clinical Genetics Services, Murdoch Childrens Research Institute); PubMed 27509835 (cited by Victorian Clinical Genetics Services, Murdoch Childrens Research Institute); PubMed 32667677 (cited by Victorian Clinical Genetics Services, Murdoch Childrens Research Institute).

NM_000088.4(COL1A1):c.3540del (p.Gly1181fs)

Gene: COL1A1 (collagen type I alpha 1 chain; minus strand). Cytogenetic location: 17q21.33.
Variant type: Deletion.
Coding change: c.3540del on transcript NM_000088.4 (MANE Select); coding-DNA position 3540, one base deleted (C; older notation c.3540delC).
Protein change: p.Gly1181fs; shifts the reading frame from glycine 1181.
Molecular consequence: frameshift variant.
Genome position (GRCh38, 1-based): chr17:50,186,914, G deleted on the plus strand (C on the coding strand, the reverse complement: COL1A1 is on the minus strand); the first of 6 consecutive G bases (chr17:50,186,914-50,186,919); deleting any one gives the same sequence. VCF-style (leftmost placement, unchanged base first): chr17-50186913-CG-C. GRCh37 (hg19) VCF-style: chr17-48264274-CG-C.
Other names: c.3540delC (NM_000088.3); short protein forms G1181fs.
Identifiers: ClinVar variation 1805989 (VCV001805989.8), dbSNP rs1555571874, ClinGen allele CA645569633.